The following is an entry in ClinVar:

NM_001351169.2(NT5C2):c.115C>T (p.Arg39Ter)

Gene: NT5C2 (5'-nucleotidase, cytosolic II; minus strand). Cytogenetic location: 10q24.33.
Variant type: single nucleotide variant.
Coding change: c.115C>T on transcript NM_001351169.2 (MANE Select); coding-DNA position 115, C replaced by T.
Protein change: p.Arg39Ter; replaces arginine 39 with a stop codon.
Molecular consequence: nonsense. On other transcripts: 5 prime UTR variant (17), intron variant (6).
Genome position (GRCh38, 1-based): chr10:103,139,466, G>A on the plus strand (C>T on the coding strand, the complement: NT5C2 is on the minus strand). VCF-style: chr10-103139466-G-A. GRCh37 (hg19) VCF-style: chr10-104899223-G-A.
Other names: c.115C>T, p.Arg39Ter (NM_001134373.3, NM_001351170.2, NM_001351171.2 and 3 more transcripts); c.28C>T, p.Arg10Ter (NM_001351174.1); c.-103C>T (NM_001351175.2); c.-520C>T (NM_001351177.2, NM_001351192.1, NM_001351197.2); c.-651C>T (NM_001351189.2, NM_001351184.2); c.-544C>T (NM_001351190.2, NM_001351193.1, NM_001351178.2); c.-428C>T (NM_001351191.1); c.-702C>T (NM_001351195.2); and 11 more; short protein forms R39*, R10*.
Identifiers: ClinVar variation 3706302 (VCV003706302.4).

ClinVar aggregate classification (germline): Pathogenic. Review status: criteria provided, multiple submitters, no conflicts (2 of 4 stars). 2 submissions from 2 submitters: Pathogenic (2). Last evaluated 2025-02-13.

Conditions:
Hereditary spastic paraplegia 45. Also called: Spastic paraplegia 45, autosomal recessive; SPASTIC PARAPLEGIA 45. Identifiers: Orphanet 320396, MedGen C3888209, MONDO:0013165, OMIM 613162.

Submissions (2):

Victorian Clinical Genetics Services, Murdoch Childrens Research Institute
Classification: Pathogenic for Hereditary spastic paraplegia 45. Last evaluated: 2025-02-13. Review status: criteria provided, single submitter. Criteria: ACMG Guidelines, 2015. Collection method: clinical testing. Allele origin: germline. Affected: yes.
Comment: This variant is classified as Pathogenic. Evidence in support of pathogenic classification: Variant is predicted to cause nonsense-mediated decay (NMD) and loss of protein (premature termination codon is located at least 54 nucleotides upstream of the final exon-exon junction); Variant is present in gnomAD <0.01 for a recessive condition (v4: 8 heterozygote(s), 0 homozygote(s)); This variant has limited previous evidence of pathogenicity in an unrelated individual(s). This variant has been reported in the literature in a homozygous individual with spastic diplegia, developmental delay and behavioural problems (PMID: 31700678); Other NMD-predicted variant(s) comparable to the one identified in this case have very strong previous evidence for pathogenicity (DECIPHER). Additional information: This variant is non-coding in an alternative transcript. This variant is non-coding in multiple other transcripts, however is coding in transcripts that are highly expressed with this exon also highly expressed (GTEx Portal); This variant is heterozygous; This gene is associated with autosomal recessive disease; No published segregation evidence has been identified for this variant; No published functional evidence has been identified for this variant; Loss of function is a known mechanism of disease in this gene and is associated with spastic paraplegia 45, autosomal recessive (MIM#613162); Heterozygous variant detected in trans with a LIKELY PATHOGENIC heterozygous variant (NM_001351169.2(NT5C2):c.1456C>A; p.(His486Asn)) in a recessive disease.

Labcorp Genetics (formerly Invitae), Labcorp
Classification: Pathogenic for Hereditary spastic paraplegia 45. Last evaluated: 2024-11-06. Review status: criteria provided, single submitter. Criteria: Invitae Variant Classification Sherloc (09022015). Collection method: clinical testing. Allele origin: germline.
Comment: This sequence change creates a premature translational stop signal (p.Arg39*) in the NT5C2 gene. It is expected to result in an absent or disrupted protein product. Loss-of-function variants in NT5C2 are known to be pathogenic (PMID: 24482476). This variant is not present in population databases (gnomAD no frequency). This premature translational stop signal has been observed in individual(s) with spastic paraplegia (PMID: 32989326). For these reasons, this variant has been classified as Pathogenic.

Literature cited by the submitters: PubMed 31700678 (cited by Victorian Clinical Genetics Services, Murdoch Childrens Research Institute); PubMed 24482476 (cited by Labcorp Genetics (formerly Invitae), Labcorp); PubMed 32989326 (cited by Labcorp Genetics (formerly Invitae), Labcorp).